The following is an entry in ClinVar:

NM_080680.3(COL11A2):c.230C>A (p.Pro77Gln)

Gene: COL11A2 (collagen type XI alpha 2 chain; minus strand). Cytogenetic location: 6p21.32.
Variant type: single nucleotide variant.
Coding change: c.230C>A on transcript NM_080680.3 (MANE Select); coding-DNA position 230, C replaced by A.
Protein change: p.Pro77Gln; replaces proline 77 with glutamine.
Molecular consequence: missense variant.
Genome position (GRCh38, 1-based): chr6:33,189,322, G>T on the plus strand (C>A on the coding strand, the complement: COL11A2 is on the minus strand). VCF-style: chr6-33189322-G-T. GRCh37 (hg19) VCF-style: chr6-33157099-G-T.
Other names: c.230C>A, p.Pro77Gln (NM_001163771.2, NM_080679.3, NM_080681.3); short protein forms P77Q.
Identifiers: ClinVar variation 226533 (VCV000226533.44), dbSNP rs35765893, ClinGen allele CA3751735.

ClinVar aggregate classification (germline): Conflicting classifications of pathogenicity. Review status: criteria provided, conflicting classifications (1 of 4 stars). 9 submissions from 8 submitters: Uncertain significance (1); Benign (4); Likely benign (4). Last evaluated 2026-02-02.

Conditions:
Connective tissue disorder. Also called: Connective tissue disease. Identifiers: MedGen C0009782, MONDO:0003900.
Inborn genetic diseases. Identifiers: MedGen C0950123, MeSH D030342.
Fibrochondrogenesis 2 (FBCG2). Identifiers: Orphanet 2021, MedGen C3281128, MONDO:0013795, OMIM 614524.
Otospondylomegaepiphyseal dysplasia, autosomal recessive (OSMEDB). Also called: Insley-Astley syndrome; CHONDRODYSTROPHY WITH SENSORINEURAL DEAFNESS. Identifiers: Orphanet 1427, MedGen CN034493, MONDO:0044206, OMIM 215150.

Allele frequency attached by ClinVar (database versions not stated): gnomAD 0.00026 and 0.00054; TOPMed 0.00026; ESP Exome Variant Server 0.00047; gnomAD exomes 0.00092; ExAC 0.00105; 1000 Genomes Project 0.00200; 1000 Genomes Project 30x 0.00234.
gnomAD v4.1: 773 of 1,613,780 alleles (0.048%); highest among the groups gnomAD compares: South Asian, 0.6%; 25 homozygotes.

Submissions (9):

Labcorp Genetics (formerly Invitae), Labcorp
Classification: Benign. Last evaluated: 2026-02-02. Review status: criteria provided, single submitter. Criteria: Invitae Variant Classification Sherloc (09022015). Collection method: clinical testing. Allele origin: germline.

Women's Health and Genetics/Laboratory Corporation of America, LabCorp
Classification: Benign. Last evaluated: 2025-11-14. Review status: criteria provided, single submitter. Criteria: LabCorp Variant Classification Summary - May 2015. Collection method: clinical testing. Allele origin: germline.
Comment: Variant summary: COL11A2 c.230C>A (p.Pro77Gln) results in a non-conservative amino acid change in the encoded protein sequence. Algorithms developed to predict the effect of missense changes on protein structure and function are either unavailable or do not agree on the potential impact of this missense change. In addition this variant is located close to a splice-site, therefore might affect splicing. Consensus agreement among computation tools predict no significant impact on normal splicing. However, these predictions have yet to be confirmed by functional studies. The variant allele was found at a frequency of 0.00048 in 1606806 control chromosomes, including 25 homozygotes, and was predominantly found at a frequency of 0.006 within the South Asian subpopulation in the gnomAD database (v4.1 dataset). The observed variant frequency within South Asian control individuals in the gnomAD database exceeds the estimated maximal expected allele frequency for disease-causing variants in COL11A2. To our knowledge, no occurrence of c.230C>A in individuals affected with COL11A2-related conditions and no experimental evidence demonstrating its impact on protein function have been reported. ClinVar contains an entry for this variant (Variation ID: 226533). Based on the evidence outlined above, the variant was classified as benign.

CeGaT Center for Human Genetics Tuebingen
Classification: Likely benign. Last evaluated: 2024-01-01. Review status: criteria provided, single submitter. Criteria: CeGaT Center For Human Genetics Tuebingen Variant Classification Criteria Version 2. Collection method: clinical testing. Allele origin: germline. Affected: yes. Observed: 2 variant alleles.
Comment: COL11A2: BS2

Ambry Genetics
Classification: Uncertain significance for Inborn genetic diseases. Last evaluated: 2023-03-07. Review status: criteria provided, single submitter. Criteria: Ambry Variant Classification Scheme 2023. Collection method: clinical testing. Allele origin: germline.

Genome Diagnostics Laboratory, The Hospital for Sick Children
Classification: Likely benign for Connective tissue disorder. Last evaluated: 2020-05-01. Review status: criteria provided, single submitter. Criteria: ACMG Guidelines, 2015. Collection method: clinical testing. Allele origin: germline.

GeneDx
Classification: Benign. Last evaluated: 2018-11-26. Review status: criteria provided, single submitter. Criteria: GeneDx Variant Classification Process June 2021. Collection method: clinical testing. Allele origin: germline. Affected: yes.

Illumina Laboratory Services, Illumina
Classification: Likely benign for Otospondylomegaepiphyseal dysplasia, autosomal recessive. Last evaluated: 2018-01-13. Review status: criteria provided, single submitter. Criteria: ICSL Variant Classification Criteria 13 December 2019. Collection method: clinical testing. Allele origin: germline.
Comment: This variant was observed in the ICSL laboratory as part of a predisposition screen in an ostensibly healthy population. It had not been previously curated by ICSL or reported in the Human Gene Mutation Database (HGMD: prior to June 1st, 2018), and was therefore a candidate for classification through an automated scoring system. Utilizing variant allele frequency, disease prevalence and penetrance estimates, and inheritance mode, an automated score was calculated to assess if this variant is too frequent to cause the disease. Based on the score and internal cut-off values, a variant classified as likely benign is not then subjected to further curation. The score for this variant resulted in a classification of likely benign for this disease.

Illumina Laboratory Services, Illumina
Classification: Likely benign for Fibrochondrogenesis 2. Last evaluated: 2018-01-13. Review status: criteria provided, single submitter. Criteria: ICSL Variant Classification Criteria 13 December 2019. Collection method: clinical testing. Allele origin: germline.
Comment: the same text as in the submission from Illumina Laboratory Services, Illumina above.

Laboratory for Molecular Medicine, Mass General Brigham Personalized Medicine
Classification: Benign. Last evaluated: 2015-09-08. Review status: criteria provided, single submitter. Criteria: LMM Criteria. Collection method: clinical testing. Allele origin: germline. Observed: 2 variant alleles.
Comment: p.Pro77Gln in exon 2 of COL11A2: This variant is not expected to have clinical s ignificance because it has been identified in 0.6% (106/16382) of South Asian ch romosomes by the Exome Aggregation Consortium (ExAC. org; dbSNP rs35765893).